The following is an entry in ClinVar:

NM_002528.7(NTHL1):c.859C>G (p.Pro287Ala)

Gene: NTHL1 (nth like DNA glycosylase 1; minus strand). Cytogenetic location: 16p13.3.
Variant type: single nucleotide variant.
Coding change: c.859C>G on transcript NM_002528.7 (MANE Select); coding-DNA position 859, C replaced by G.
Protein change: p.Pro287Ala; replaces proline 287 with alanine.
Molecular consequence: missense variant.
Genome position (GRCh38, 1-based): chr16:2,039,980, G>C on the plus strand (C>G on the coding strand, the complement: NTHL1 is on the minus strand). VCF-style: chr16-2039980-G-C. GRCh37 (hg19) VCF-style: chr16-2089981-G-C.
Other names: c.688C>G, p.Pro230Ala (NM_001318193.2); c.529C>G, p.Pro177Ala (NM_001318194.2); short protein forms P177A, P230A, P287A.
Identifiers: ClinVar variation 3222687 (VCV003222687.1), dbSNP rs1372041658, ClinGen allele CA394287194.

ClinVar aggregate classification (germline): Uncertain significance (1 of 4 stars; one submission).

Conditions:
Hereditary cancer-predisposing syndrome. Also called: Tumor predisposition; Hereditary neoplastic syndrome; Hereditary Cancer Syndrome; Neoplastic Syndromes, Hereditary. Identifiers: Orphanet 140162, MedGen C0027672, MeSH D009386, MONDO:0015356.

Allele frequency attached by ClinVar (database versions not stated): gnomAD exomes below 0.00001.
gnomAD v4.1: 1 of 1,609,840 alleles (0.000062%); highest among the groups gnomAD compares: Admixed American, 0.0017%; no homozygotes.

Submission:

Ambry Genetics
Classification: Uncertain significance for Hereditary cancer-predisposing syndrome. Last evaluated: 2023-12-14. Review status: criteria provided, single submitter. Criteria: Ambry Variant Classification Scheme 2023. Collection method: clinical testing. Allele origin: germline.
Comment: The p.P295A variant (also known as c.883C>G), located in coding exon 6 of the NTHL1 gene, results from a C to G substitution at nucleotide position 883. The proline at codon 295 is replaced by alanine, an amino acid with highly similar properties. This amino acid position is conserved. In addition, this alteration is predicted to be deleterious by in silico analysis. Since supporting evidence is limited at this time, the clinical significance of this alteration remains unclear.